The following is an entry in ClinVar:

ClinVar aggregate classification (germline): Uncertain significance (1 of 4 stars; one submission).

Allele frequency attached by ClinVar (database versions not stated): gnomAD 0.00001; 1000 Genomes Project 0.00020; gnomAD exomes below 0.00001; ExAC 0.00002; 1000 Genomes Project 30x 0.00016.
gnomAD v4.1: 3 of 1,611,490 alleles (0.00019%); highest among the groups gnomAD compares: East Asian, 0.0022%; no homozygotes.

Submission:

Labcorp Genetics (formerly Invitae), Labcorp
Classification: Uncertain significance. Last evaluated: 2025-11-24. Review status: criteria provided, single submitter. Criteria: Invitae Variant Classification Sherloc (09022015). Collection method: clinical testing. Allele origin: germline.
Comment: This sequence change replaces arginine, which is basic and polar, with tryptophan, which is neutral and slightly polar, at codon 434 of the RELB protein (p.Arg434Trp). The frequency data for this variant in the population databases is considered unreliable, as metrics indicate poor data quality at this position in the gnomAD database. This variant has not been reported in the literature in individuals affected with RELB-related conditions. ClinVar contains an entry for this variant (Variation ID: 2110130). An algorithm developed to predict the effect of missense changes on protein structure and function (PolyPhen-2) suggests that this variant is likely to be disruptive. In summary, the available evidence is currently insufficient to determine the role of this variant in disease. Therefore, it has been classified as a Variant of Uncertain Significance.

NM_006509.4(RELB):c.1300C>T (p.Arg434Trp)

Gene: RELB (RELB proto-oncogene, NF-kB subunit; plus strand). Cytogenetic location: 19q13.32.
Variant type: single nucleotide variant.
Coding change: c.1300C>T on transcript NM_006509.4 (MANE Select); coding-DNA position 1300, C replaced by T.
Protein change: p.Arg434Trp; replaces arginine 434 with tryptophan.
Molecular consequence: missense variant.
Genome position (GRCh38, 1-based): chr19:45,034,474, C>T. VCF-style: chr19-45034474-C-T. GRCh37 (hg19) VCF-style: chr19-45537732-C-T.
Other names: c.1291C>T, p.Arg431Trp (NM_001411087.1); short protein forms R431W, R434W.
Identifiers: ClinVar variation 2110130 (VCV002110130.4), dbSNP rs546556791, ClinGen allele CA9507823.